The following is an entry in ClinVar:

NM_001277.3(CHKA):c.172C>T (p.Pro58Ser)

Gene: CHKA (choline kinase alpha; minus strand). Cytogenetic location: 11q13.2.
Variant type: single nucleotide variant.
Coding change: c.172C>T on transcript NM_001277.3 (MANE Select); coding-DNA position 172, C replaced by T.
Protein change: p.Pro58Ser; replaces proline 58 with serine.
Molecular consequence: missense variant. On other transcripts: 5 prime UTR variant (2), non-coding transcript variant (1).
Genome position (GRCh38, 1-based): chr11:68,121,006, G>A on the plus strand (C>T on the coding strand, the complement: CHKA is on the minus strand). VCF-style: chr11-68121006-G-A. GRCh37 (hg19) VCF-style: chr11-67888473-G-A.
Other names: c.172C>T, p.Pro58Ser (NM_001376219.1, NM_001376220.1, NM_212469.2); c.-193C>T (NM_001376221.1, NM_001376222.1); short protein forms P58S.
Identifiers: ClinVar variation 2304995 (VCV002304995.3), dbSNP rs1447459187, ClinGen allele CA381575543.

ClinVar aggregate classification (germline): Uncertain significance. Review status: criteria provided, multiple submitters, no conflicts (2 of 4 stars). 2 submissions from 2 submitters: Uncertain significance (2). Last evaluated 2025-01-08.

Conditions:
CHKA-related condition.

gnomAD v4.1: 3 of 1,115,152 alleles (0.00027%); highest among the groups gnomAD compares: South Asian, 0.0043%; no homozygotes.

Submissions (2):

PreventionGenetics, part of Exact Sciences
Classification: Uncertain significance for CHKA-related condition. Last evaluated: 2025-01-08. Review status: criteria provided, single submitter. Criteria: ACMG Guidelines, 2015. Collection method: clinical testing. Allele origin: germline.
Comment: The CHKA c.172C>T variant is predicted to result in the amino acid substitution p.Pro58Ser. To our knowledge, this variant has not been reported in the literature or in a large population database (gnomAD), indicating this variant is rare. At this time, the clinical significance of this variant is uncertain due to the absence of conclusive functional and genetic evidence.

Ambry Genetics
Classification: Uncertain significance. Last evaluated: 2022-08-02. Review status: criteria provided, single submitter. Criteria: Ambry Variant Classification Scheme 2023. Collection method: clinical testing. Allele origin: germline.